The following is an entry in ClinVar:

ClinVar aggregate classification (germline): Uncertain significance (1 of 4 stars; one submission).

Conditions:
Amyotrophic lateral sclerosis type 1 (ALS1). Also called: AMYOTROPHIC LATERAL SCLEROSIS 1, FAMILIAL. Identifiers: Orphanet 803, MedGen C1862939, MONDO:0007103, OMIM 105400.
Perry syndrome. Also called: PARKINSONISM WITH ALVEOLAR HYPOVENTILATION AND MENTAL DEPRESSION. Identifiers: Orphanet 178509, MedGen C1868594, MONDO:0008201, OMIM 168605.
Neuronopathy, distal hereditary motor, type 7B. Also called: NEURONOPATHY, DISTAL HEREDITARY MOTOR, AUTOSOMAL DOMINANT 14; NEURONOPATHY, DISTAL HEREDITARY MOTOR, HARDING TYPE VIIB; NEUROPATHY, DISTAL HEREDITARY MOTOR, HARDING TYPE VIIB; NEUROPATHY, DISTAL HEREDITARY MOTOR, WITH VOCAL CORD PARALYSIS, HARDING TYPE VIIB; HMN VIIB; LOWER MOTOR NEURON DISEASE, DYNACTIN TYPE. Identifiers: Orphanet 139589, MedGen C1843315, MONDO:0011879, OMIM 607641.

Allele frequency attached by ClinVar (database versions not stated): gnomAD exomes below 0.00001; TOPMed below 0.00001.
gnomAD v4.1: 6 of 1,614,200 alleles (0.00037%); highest among the groups gnomAD compares: Non-Finnish European, 0.00034%; no homozygotes.

Submission:

Labcorp Genetics (formerly Invitae), Labcorp
Classification: Uncertain significance for Amyotrophic lateral sclerosis type 1; Neuronopathy, distal hereditary motor, type 7B; Perry syndrome. Last evaluated: 2022-07-12. Review status: criteria provided, single submitter. Criteria: Invitae Variant Classification Sherloc (09022015). Collection method: clinical testing. Allele origin: germline.
Comment: In summary, the available evidence is currently insufficient to determine the role of this variant in disease. Therefore, it has been classified as a Variant of Uncertain Significance. Algorithms developed to predict the effect of sequence changes on RNA splicing suggest that this variant may create or strengthen a splice site. Algorithms developed to predict the effect of missense changes on protein structure and function (SIFT, PolyPhen-2, Align-GVGD) all suggest that this variant is likely to be disruptive. ClinVar contains an entry for this variant (Variation ID: 962206). This variant has not been reported in the literature in individuals affected with DCTN1-related conditions. This variant is not present in population databases (gnomAD no frequency). This sequence change replaces arginine, which is basic and polar, with cysteine, which is neutral and slightly polar, at codon 614 of the DCTN1 protein (p.Arg614Cys).

NM_004082.5(DCTN1):c.1840C>T (p.Arg614Cys)

Gene: DCTN1 (dynactin subunit 1; minus strand). Cytogenetic location: 2p13.1.
Variant type: single nucleotide variant.
Coding change: c.1840C>T on transcript NM_004082.5 (MANE Select); coding-DNA position 1840, C replaced by T.
Protein change: p.Arg614Cys; replaces arginine 614 with cysteine.
Molecular consequence: missense variant. On other transcripts: non-coding transcript variant (1).
Genome position (GRCh38, 1-based): chr2:74,368,742, G>A on the plus strand (C>T on the coding strand, the complement: DCTN1 is on the minus strand). VCF-style: chr2-74368742-G-A. GRCh37 (hg19) VCF-style: chr2-74595869-G-A.
Other names: c.1780C>T, p.Arg594Cys (NM_001135040.3); c.1438C>T, p.Arg480Cys (NM_001135041.3, NM_023019.4); c.1729C>T, p.Arg577Cys (NM_001190836.2); c.1819C>T, p.Arg607Cys (NM_001190837.2); c.1789C>T, p.Arg597Cys (NM_001378991.1); c.1771C>T, p.Arg591Cys (NM_001378992.1); short protein forms R594C, R597C, R614C, R577C, R591C, R480C, R607C.
Identifiers: ClinVar variation 962206 (VCV000962206.10), dbSNP rs1674609133, ClinGen allele CA347354920.